The following is an entry in ClinVar:

ClinVar aggregate classification (germline): Uncertain significance (1 of 4 stars; one submission).

Conditions:
Inborn genetic diseases. Identifiers: MedGen C0950123, MeSH D030342.

Allele frequency attached by ClinVar (database versions not stated): gnomAD exomes below 0.00001; gnomAD 0.00001.
gnomAD v4.1: 4 of 1,613,832 alleles (0.00025%); highest among the groups gnomAD compares: Middle Eastern, 0.033%; no homozygotes.

Submission:

Ambry Genetics
Classification: Uncertain significance for Inborn genetic diseases. Last evaluated: 2021-10-19. Review status: criteria provided, single submitter. Criteria: Ambry Variant Classification Scheme 2023. Collection method: clinical testing. Allele origin: germline.
Comment: The p.P290T variant (also known as c.868C>A), located in coding exon 7 of the SLC17A5 gene, results from a C to A substitution at nucleotide position 868. The proline at codon 290 is replaced by threonine, an amino acid with highly similar properties. This amino acid position is conserved. In addition, the in silico prediction for this alteration is inconclusive. Since supporting evidence is limited at this time, the clinical significance of this alteration remains unclear.

NM_012434.5(SLC17A5):c.868C>A (p.Pro290Thr)

Gene: SLC17A5 (solute carrier family 17 member 5; minus strand). Cytogenetic location: 6q13.
Variant type: single nucleotide variant.
Coding change: c.868C>A on transcript NM_012434.5 (MANE Select); coding-DNA position 868, C replaced by A.
Protein change: p.Pro290Thr; replaces proline 290 with threonine.
Molecular consequence: missense variant. On other transcripts: intron variant (1).
Genome position (GRCh38, 1-based): chr6:73,621,914, G>T on the plus strand (C>A on the coding strand, the complement: SLC17A5 is on the minus strand). VCF-style: chr6-73621914-G-T. GRCh37 (hg19) VCF-style: chr6-74331637-G-T.
Other names: c.637C>A, p.Pro213Thr (NM_001382629.1); c.868C>A, p.Pro290Thr (NM_001382630.1, NM_001382633.1); c.889C>A, p.Pro297Thr (NM_001382631.1); c.781C>A, p.Pro261Thr (NM_001382632.1); c.865C>A, p.Pro289Thr (NM_001382635.1); c.550C>A, p.Pro184Thr (NM_001382636.1); c.820-6467C>A (NM_001382634.1); short protein forms P213T, P290T, P184T, P261T, P289T, P297T.
Identifiers: ClinVar variation 1764308 (VCV001764308.2), dbSNP rs1305300085, ClinGen allele CA364713659.
Genomic context (GRCh38, chr6:73,621,914, plus strand): 5'-TCAATAAAGTATAAAAAGTCCAGTTGTAAGAAAAGTGTGCAACTACGATAGCCCAAAGTG[G>T]CAGGGATTTTAAAATGGGTACCCACGGCACTGACTTCTGTGAAGAAAGCTGAAGAAAACA-3'
Protein context (NP_036566.1, residues 280-300): VPWVPILKSL[Pro290Thr]LWAIVVAHFS